The following is an entry in ClinVar:

NM_018136.5(ASPM):c.10047T>C (p.Leu3349=)

Gene: ASPM (assembly factor for spindle microtubules; minus strand). Cytogenetic location: 1q31.3.
Variant type: single nucleotide variant.
Coding change: c.10047T>C on transcript NM_018136.5 (MANE Select); coding-DNA position 10047, T replaced by C.
Protein change: p.Leu3349=; no amino-acid change (leucine 3349 retained).
Molecular consequence: synonymous variant.
Genome position (GRCh38, 1-based): chr1:197,088,370, A>G on the plus strand (T>C on the coding strand, the complement: ASPM is on the minus strand). VCF-style: chr1-197088370-A-G. GRCh37 (hg19) VCF-style: chr1-197057500-A-G.
Other names: c.5292T>C, p.Leu1764= (NM_001206846.2).
Identifiers: ClinVar variation 5041818 (VCV005041818.1).
Genomic context (GRCh38, chr1:197,088,370, plus strand): 5'-AAAAATGCTTCCGCCTTTGTCTGCAACTTTATTACCAGGCTTTTCTCGGTATATCTGCAA[A>G]AGCTCCAATAGTATATCTATACAATTTTCTACATCATAAACTGCTGAAGTAGTTTTCTCA-3'
Protein context (NP_060606.3, residues 3339-3359): VENCIDILLE[Leu3349=]LQIYREKPGN

ClinVar aggregate classification (germline): Likely benign (1 of 4 stars; one submission).

Submission:

CeGaT Center for Human Genetics Tuebingen
Classification: Likely benign. Last evaluated: 2026-09-01. Review status: criteria provided, single submitter. Criteria: CeGaT Center For Human Genetics Tuebingen Variant Classification Criteria Version 2. Collection method: clinical testing. Allele origin: germline. Affected: yes. Observed: 1 variant allele.
Comment: ASPM: PM2:Supporting, BP4, BP7